The following is an entry in ClinVar:

NM_000051.4(ATM):c.1621dup (p.Cys541fs)

Gene: ATM (ATM serine/threonine kinase; plus strand). Cytogenetic location: 11q22.3.
Variant type: Duplication.
Coding change: c.1621dup on transcript NM_000051.4 (MANE Select); coding-DNA position 1621, one base duplicated (T; older notation c.1621dupT).
Protein change: p.Cys541fs; shifts the reading frame from cysteine 541.
Molecular consequence: frameshift variant.
Genome position (GRCh38, 1-based): chr11:108,251,850, T duplicated. VCF-style (leftmost placement, unchanged base first): chr11-108251849-C-CT. GRCh37 (hg19) VCF-style: chr11-108122576-C-CT.
Other names: c.1621dup, p.Cys541fs (NM_001351834.2); short protein forms C541fs.
Identifiers: ClinVar variation 3148541 (VCV003148541.1), dbSNP rs2497266849, ClinGen allele CA2825001790.

ClinVar aggregate classification (germline): Pathogenic (1 of 4 stars; one submission).

Conditions:
Familial cancer of breast. Also called: BREAST CANCER, FAMILIAL; Hereditary breast cancer; hereditary breast carcinoma. Identifiers: Orphanet 227535, MedGen C0346153, MONDO:0016419, OMIM 114480. Disease mechanism: loss of function.

Submission:

Myriad Genetics, Inc.
Classification: Pathogenic for Familial cancer of breast. Last evaluated: 2024-01-16. Review status: criteria provided, single submitter. Criteria: Myriad Autosomal Dominant, Autosomal Recessive and X-Linked Classification Criteria (2023). Collection method: clinical testing. Allele origin: unknown.
Comment: This variant is considered pathogenic. This variant creates a frameshift predicted to result in premature protein truncation.